The following is an entry in ClinVar:

ClinVar aggregate classification (germline): Likely pathogenic (1 of 4 stars; one submission).

Conditions:
Mullegama-Klein-Martinez syndrome. Also called: NEURODEVELOPMENTAL DISORDER, X-LINKED, WITH CRANIOFACIAL ABNORMALITIES. Identifiers: MedGen C5193008, MONDO:0026722, OMIM 301022.

Submission:

Neuberg Centre For Genomic Medicine, NCGM
Classification: Likely pathogenic for Mullegama-Klein-Martinez syndrome. Review status: criteria provided, single submitter. Criteria: ACMG Guidelines, 2015. Collection method: clinical testing. Allele origin: germline. Inheritance: X-linked inheritance. Affected: yes.
Comment: The invariant splice donor c.1821+1G>A in STAG2 gene has not been reported previously as a pathogenic variant nor as a benign variant, to our knowledge. The c.1821+1G>A variant is absent in gnomAD Exomes. This variant has not been submitted to the ClinVar database. SpliceAI predicts this variant to cause splice donor loss (0.86). Loss of function variants have been previously reported to be disease causing. Functional studies will be required to prove the pathogenicity of this variant conclusively. For these reasons, this variant has been classified as Likely Pathogenic.

NM_001042750.2(STAG2):c.1821+1G>A

Gene: STAG2 (STAG2 cohesin complex component; plus strand). Cytogenetic location: Xq25.
Variant type: single nucleotide variant.
Coding change: c.1821+1G>A on transcript NM_001042750.2 (MANE Select); the canonical splice donor site of the intron after coding-DNA position 1821, G replaced by A.
Molecular consequence: splice donor variant.
Genome position (GRCh38, 1-based): chrX:124,063,206, G>A. VCF-style: chrX-124063206-G-A. GRCh37 (hg19) VCF-style: chrX-123197056-G-A.
Other names: c.1821+1G>A (NM_001042749.2, NM_001375366.1, NM_001375373.1 and 13 more transcripts).
Identifiers: ClinVar variation 3603284 (VCV003603284.1).